The following is an entry in ClinVar:

NM_003055.3(SLC18A3):c.443G>T (p.Arg148Leu)

Genes: CHAT (choline O-acetyltransferase; plus strand), SLC18A3 (solute carrier family 18 member A3; plus strand). Cytogenetic location: 10q11.23.
Variant type: single nucleotide variant.
Coding change: c.443G>T on transcript NM_003055.3 (MANE Select); coding-DNA position 443, G replaced by T.
Protein change: p.Arg148Leu; replaces arginine 148 with leucine.
Molecular consequence: missense variant. On other transcripts: intron variant (1).
Genome position (GRCh38, 1-based): chr10:49,611,183, G>T. VCF-style: chr10-49611183-G-T. GRCh37 (hg19) VCF-style: chr10-50819229-G-T.
Other names: c.-69+1984G>T (NM_020984.4); short protein forms R148L.
Identifiers: ClinVar variation 1416383 (VCV001416383.8), dbSNP rs1242707628, ClinGen allele CA376718593.

ClinVar aggregate classification (germline): Uncertain significance (1 of 4 stars; one submission).

Allele frequency attached by ClinVar (database versions not stated): gnomAD exomes below 0.00001; gnomAD 0.00001.
gnomAD v4.1: 5 of 1,614,002 alleles (0.00031%); highest among the groups gnomAD compares: African/African-American, 0.0027%; no homozygotes.

Submission:

Labcorp Genetics (formerly Invitae), Labcorp
Classification: Uncertain significance. Last evaluated: 2025-08-18. Review status: criteria provided, single submitter. Criteria: Invitae Variant Classification Sherloc (09022015). Collection method: clinical testing. Allele origin: germline.
Comment: This sequence change replaces arginine, which is basic and polar, with leucine, which is neutral and non-polar, at codon 148 of the SLC18A3 protein (p.Arg148Leu). This variant is present in population databases (no rsID available, gnomAD 0.003%). This variant has not been reported in the literature in individuals affected with SLC18A3-related conditions. ClinVar contains an entry for this variant (Variation ID: 1416383). Invitae Evidence Modeling of protein sequence and biophysical properties (such as structural, functional, and spatial information, amino acid conservation, physicochemical variation, residue mobility, and thermodynamic stability) has been performed for this missense variant. However, the output from this modeling did not meet the statistical confidence thresholds required to predict the impact of this variant on SLC18A3 protein function. In summary, the available evidence is currently insufficient to determine the role of this variant in disease. Therefore, it has been classified as a Variant of Uncertain Significance.